The following is an entry in ClinVar:

NM_017777.4(MKS1):c.1095G>C (p.Met365Ile)

Gene: MKS1 (MKS transition zone complex subunit 1; minus strand). Cytogenetic location: 17q22.
Variant type: single nucleotide variant.
Coding change: c.1095G>C on transcript NM_017777.4 (MANE Select); coding-DNA position 1095, G replaced by C.
Protein change: p.Met365Ile; replaces methionine 365 with isoleucine.
Molecular consequence: missense variant.
Genome position (GRCh38, 1-based): chr17:58,208,513, C>G on the plus strand (G>C on the coding strand, the complement: MKS1 is on the minus strand). VCF-style: chr17-58208513-C-G. GRCh37 (hg19) VCF-style: chr17-56285874-C-G.
Other names: c.486G>C, p.Met162Ile (NM_001321268.2); c.1095G>C, p.Met365Ile (NM_001321269.2, NM_001330397.2); c.1095G>C (NM_017777.3); short protein forms M162I, M365I.
Identifiers: ClinVar variation 1376687 (VCV001376687.6), dbSNP rs1440032995, ClinGen allele CA400325780.

ClinVar aggregate classification (germline): Uncertain significance. Review status: criteria provided, multiple submitters, no conflicts (2 of 4 stars). 3 submissions from 3 submitters: Uncertain significance (2). 1 of the submissions does not count toward it. Last evaluated 2024-01-10.

Conditions:
MKS1-related disorder. Also called: MKS1-related condition; MKS1-related disorders. Identifiers: MedGen CN239382.
Bardet-Biedl syndrome 13 (BBS13). Identifiers: Orphanet 110, MedGen C2673873, MONDO:0014441, OMIM 615990.
Meckel syndrome, type 1 (MKS1). Also called: MECKEL-GRUBER SYNDROME, TYPE 1. Identifiers: Orphanet 564, MedGen C3714506, MONDO:0009571, OMIM 249000.
Joubert syndrome 28 (JBTS28). Identifiers: MedGen C4310705, MONDO:0014928, OMIM 617121.
Meckel-Gruber syndrome. Also called: GRUBER SYNDROME; Dysencephalia splachnocystica; DYSENCEPHALIA SPLANCHNOCYSTICA. Identifiers: Orphanet 564, MedGen C0265215, MONDO:0018921.
Joubert syndrome. Also called: JOUBERT-BOLTSHAUSER SYNDROME; Familial aplasia of the vermis. Identifiers: Orphanet 475, MedGen C5979921, MONDO:0018772.

Allele frequency attached by ClinVar (database versions not stated): gnomAD exomes below 0.00001; gnomAD 0.00001 and 0.00002; TOPMed 0.00001.
gnomAD v4.1: 6 of 1,613,872 alleles (0.00037%); highest among the groups gnomAD compares: African/African-American, 0.008%; no homozygotes.

Submissions (3):

Fulgent Genetics
Classification: Uncertain significance for Meckel syndrome, type 1; Bardet-Biedl syndrome 13; Joubert syndrome 28. Last evaluated: 2024-01-10. Review status: criteria provided, single submitter. Criteria: ACMG Guidelines, 2015. Collection method: clinical testing. Allele origin: germline.

Labcorp Genetics (formerly Invitae), Labcorp
Classification: Uncertain significance for Joubert syndrome; Meckel-Gruber syndrome. Last evaluated: 2023-10-03. Review status: criteria provided, single submitter. Criteria: Invitae Variant Classification Sherloc (09022015). Collection method: clinical testing. Allele origin: germline.
Comment: This sequence change affects codon 365 of the MKS1 mRNA. It is a 'silent' change, meaning that it does not change the encoded amino acid sequence of the MKS1 protein. This variant also falls at the last nucleotide of exon 12, which is part of the consensus splice site for this exon. This variant is not present in population databases (gnomAD no frequency). This variant has not been reported in the literature in individuals affected with MKS1-related conditions. ClinVar contains an entry for this variant (Variation ID: 1376687). An algorithm developed to predict the effect of missense changes on protein structure and function (PolyPhen-2) suggests that this variant¬†is likely to be tolerated. Variants that disrupt the consensus splice site are a relatively common cause of aberrant splicing (PMID: 17576681, 9536098). Algorithms developed to predict the effect of sequence changes on RNA splicing suggest that this variant may disrupt the consensus splice site. In summary, the available evidence is currently insufficient to determine the role of this variant in disease. Therefore, it has been classified as a Variant of Uncertain Significance.

PreventionGenetics, part of Exact Sciences
Classification: Uncertain significance for MKS1-related condition. Last evaluated: 2024-03-07. Review status: no assertion criteria provided. Collection method: clinical testing. Allele origin: germline. Not counted in ClinVar's aggregate classification.
Comment: The MKS1 c.1095G>C variant is predicted to result in the amino acid substitution p.Met365Ile. To our knowledge, this variant has not been reported in the literature or in a large population database, indicating this variant is rare. At this time, the clinical significance of this variant is uncertain due to the absence of conclusive functional and genetic evidence.

Literature cited by the submitters: PubMed 17576681 (cited by Labcorp Genetics (formerly Invitae), Labcorp); PubMed 9536098 (cited by Labcorp Genetics (formerly Invitae), Labcorp).